The following is an entry in ClinVar:

NM_000088.4(COL1A1):c.262G>T (p.Glu88Ter)

Gene: COL1A1 (collagen type I alpha 1 chain; minus strand). Cytogenetic location: 17q21.33.
Variant type: single nucleotide variant.
Coding change: c.262G>T on transcript NM_000088.4 (MANE Select); coding-DNA position 262, G replaced by T.
Protein change: p.Glu88Ter; replaces glutamic acid 88 with a stop codon.
Molecular consequence: nonsense.
Genome position (GRCh38, 1-based): chr17:50,199,789, C>A on the plus strand (G>T on the coding strand, the complement: COL1A1 is on the minus strand). VCF-style: chr17-50199789-C-A. GRCh37 (hg19) VCF-style: chr17-48277150-C-A.
Other names: short protein forms E88*.
Identifiers: ClinVar variation 489293 (VCV000489293.9), dbSNP rs1555575370, ClinGen allele CA400228115.

ClinVar aggregate classification (germline): Pathogenic. Review status: criteria provided, multiple submitters, no conflicts (2 of 4 stars). 2 submissions from 2 submitters: Pathogenic (2). Last evaluated 2024-11-05.

Conditions:
Osteogenesis imperfecta type I (OI1). Also called: Lobstein disease; OI, TYPE I; OSTEOGENESIS IMPERFECTA TARDA; OSTEOGENESIS IMPERFECTA WITH BLUE SCLERAE; Osteogenesis imperfecta type 1; Lobstein's Disease. Identifiers: Orphanet 216796, Orphanet 666, MedGen C0023931, MONDO:0008146, OMIM 166200. Disease mechanism: loss of function.

Submissions (2):

Labcorp Genetics (formerly Invitae), Labcorp
Classification: Pathogenic for Osteogenesis imperfecta type I. Last evaluated: 2024-11-05. Review status: criteria provided, single submitter. Criteria: Invitae Variant Classification Sherloc (09022015). Collection method: clinical testing. Allele origin: germline.
Comment: This sequence change creates a premature translational stop signal (p.Glu88*) in the COL1A1 gene. It is expected to result in an absent or disrupted protein product. Loss-of-function variants in COL1A1 are known to be pathogenic (PMID: 7942841, 9295084, 9443882). This variant is not present in population databases (gnomAD no frequency). This premature translational stop signal has been observed in individual(s) with autosomal dominant osteogenesis imperfecta (PMID: 30715774). ClinVar contains an entry for this variant (Variation ID: 489293). For these reasons, this variant has been classified as Pathogenic.

GeneDx
Classification: Pathogenic. Last evaluated: 2017-12-20. Review status: criteria provided, single submitter. Criteria: GeneDx Variant Classification (06012015). Collection method: clinical testing. Allele origin: germline. Affected: yes.
Comment: The E88X nonsense variant in the COL1A1 gene has not been published as a pathogenic variant, nor has it been reported as a benign variant to our knowledge. This variant is predicted to cause loss of normal protein function either through protein truncation or nonsense-mediated mRNA decay. The E88X variant is not observed in large population cohorts (Lek et al., 2016). Based on currently available evidence, we consider E88X to be pathogenic.

Literature cited by the submitters: PubMed 7942841 (cited by Labcorp Genetics (formerly Invitae), Labcorp); PubMed 9295084 (cited by Labcorp Genetics (formerly Invitae), Labcorp); PubMed 9443882 (cited by Labcorp Genetics (formerly Invitae), Labcorp); PubMed 30715774 (cited by Labcorp Genetics (formerly Invitae), Labcorp).